The following is an entry in ClinVar:

ClinVar aggregate classification (germline): Pathogenic (1 of 4 stars; one submission).

Conditions:
Cardiovascular phenotype. Identifiers: MedGen CN230736.
Hereditary cancer-predisposing syndrome. Also called: Hereditary Cancer Syndrome; Hereditary neoplastic syndrome; Neoplastic Syndromes, Hereditary; Tumor predisposition. Identifiers: Orphanet 140162, MedGen C0027672, MeSH D009386, MONDO:0015356.

Submission:

Ambry Genetics
Classification: Pathogenic for Cardiovascular phenotype; Hereditary cancer-predisposing syndrome. Last evaluated: 2021-05-17. Review status: criteria provided, single submitter. Criteria: Ambry Variant Classification Scheme 2023. Collection method: clinical testing. Allele origin: germline.
Comment: The c.6262_6263delTTinsA pathogenic mutation, located in coding exon 41 of the NF1 gene, results from the deletion of two nucleotides and insertion of one nucleotide causing a translational frameshift with a predicted alternate stop codon (p.F2088Tfs*2). This alteration is expected to result in loss of function by premature protein truncation or nonsense-mediated mRNA decay. As such, this alteration is interpreted as a disease-causing mutation.

NM_001042492.3(NF1):c.6325_6326delinsA (p.Phe2109fs)

Gene: NF1 (neurofibromin 1; plus strand). Cytogenetic location: 17q11.2.
Variant type: Indel.
Coding change: c.6325_6326delinsA on transcript NM_001042492.3 (MANE Select); coding-DNA positions 6325 to 6326, TT replaced by A.
Protein change: p.Phe2109fs; shifts the reading frame from phenylalanine 2109.
Molecular consequence: frameshift variant.
Genome position (GRCh38, 1-based): chr17:31,336,812-31,336,813, TT replaced by A. VCF-style: chr17-31336812-TT-A. GRCh37 (hg19) VCF-style: chr17-29663830-TT-A.
Other names: c.6262_6263delTTinsA (NM_000267.3); c.6262_6263delTTinsA, p.Phe2088Thrfs (NM_000267.4); short protein forms F2109fs, F2088fs.
Identifiers: ClinVar variation 1752502 (VCV001752502.2), dbSNP rs2508749459, ClinGen allele CA2580093300.